The following is an entry in ClinVar:

ClinVar aggregate classification (germline): Uncertain significance (1 of 4 stars; one submission).

Conditions:
TTN-related disorder. Also called: TTN-related disorders; TTN-related condition; TTN-related disease.

Submission:

PreventionGenetics, part of Exact Sciences
Classification: Uncertain significance for TTN-related condition. Last evaluated: 2025-07-14. Review status: criteria provided, single submitter. Criteria: ACMG Guidelines, 2015. Collection method: clinical testing. Allele origin: germline.
Comment: The TTN c.4296G>A variant is predicted to result in the amino acid substitution p.Met1432Ile. To our knowledge, this variant has not been reported in the literature or in a large population database (gnomAD), indicating this variant is rare. At this time, the clinical significance of this variant is uncertain due to the absence of conclusive functional and genetic evidence.

NM_001267550.2(TTN):c.4296G>A (p.Met1432Ile)

Genes: TTN (titin; minus strand), LOC101927055 (uncharacterized LOC101927055; plus strand). Cytogenetic location: 2q31.2.
Variant type: single nucleotide variant.
Coding change: c.4296G>A on transcript NM_001267550.2 (MANE Select); coding-DNA position 4296, G replaced by A.
Protein change: p.Met1432Ile; replaces methionine 1432 with isoleucine.
Molecular consequence: missense variant. On other transcripts: non-coding transcript variant (1).
Genome position (GRCh38, 1-based): chr2:178,777,888, C>T on the plus strand (G>A on the coding strand, the complement: TTN is on the minus strand). VCF-style: chr2-178777888-C-T. GRCh37 (hg19) VCF-style: chr2-179642615-C-T.
Other names: c.4296G>A, p.Met1432Ile (NM_001256850.1, NM_133378.4, NM_133379.5); c.4158G>A, p.Met1386Ile (NM_003319.4, NM_133432.3, NM_133437.4); short protein forms M1386I, M1432I.
Identifiers: ClinVar variation 4997227 (VCV004997227.1).